The following is an entry in ClinVar:

ClinVar aggregate classification (germline): Uncertain significance (1 of 4 stars; one submission).

Conditions:
Capillary malformation-arteriovenous malformation syndrome. Also called: Capillary malformation-arteriovenous malformation. Identifiers: Orphanet 137667, MedGen C1842180, MONDO:0012016.

Allele frequency attached by ClinVar (database versions not stated): gnomAD exomes below 0.00001.
gnomAD v4.1: 2 of 1,611,102 alleles (0.00012%); highest among the groups gnomAD compares: Non-Finnish European, 0.00017%; no homozygotes.

Submission:

Labcorp Genetics (formerly Invitae), Labcorp
Classification: Uncertain significance for Capillary malformation-arteriovenous malformation syndrome. Last evaluated: 2025-05-22. Review status: criteria provided, single submitter. Criteria: Invitae Variant Classification Sherloc (09022015). Collection method: clinical testing. Allele origin: germline.
Comment: This sequence change falls in intron 8 of the RASA1 gene. It does not directly change the encoded amino acid sequence of the RASA1 protein. It affects a nucleotide within the consensus splice site. This variant is not present in population databases (gnomAD no frequency). This variant has not been reported in the literature in individuals affected with RASA1-related conditions. ClinVar contains an entry for this variant (Variation ID: 2161562). Variants that disrupt the consensus splice site are a relatively common cause of aberrant splicing (PMID: 17576681, 9536098). Algorithms developed to predict the effect of sequence changes on RNA splicing suggest that this variant is not likely to affect RNA splicing. In summary, the available evidence is currently insufficient to determine the role of this variant in disease. Therefore, it has been classified as a Variant of Uncertain Significance.

Literature cited by the submitters: PubMed 17576681; PubMed 9536098.

NM_002890.3(RASA1):c.1253+5A>G

Genes: CCNH (cyclin H; minus strand), RASA1 (RAS p21 protein activator 1; plus strand). Cytogenetic location: 5q14.3.
Variant type: single nucleotide variant.
Coding change: c.1253+5A>G on transcript NM_002890.3 (MANE Select); 5 bases into the intron after coding-DNA position 1253, A replaced by G.
Molecular consequence: intron variant.
Genome position (GRCh38, 1-based): chr5:87,349,369, A>G. VCF-style: chr5-87349369-A-G. GRCh37 (hg19) VCF-style: chr5-86645186-A-G.
Other names: c.722+5A>G (NM_022650.3); c.934-36574T>C (NM_001364075.2).
Identifiers: ClinVar variation 2161562 (VCV002161562.3), dbSNP rs2531256487, ClinGen allele CA2580073679.